The following is an entry in ClinVar:

NM_000419.5(ITGA2B):c.2780C>T (p.Ala927Val)

Gene: ITGA2B (integrin subunit alpha 2b; minus strand). Cytogenetic location: 17q21.31.
Variant type: single nucleotide variant.
Coding change: c.2780C>T on transcript NM_000419.5 (MANE Select); coding-DNA position 2780, C replaced by T.
Protein change: p.Ala927Val; replaces alanine 927 with valine.
Molecular consequence: missense variant.
Genome position (GRCh38, 1-based): chr17:44,375,059, G>A on the plus strand (C>T on the coding strand, the complement: ITGA2B is on the minus strand). VCF-style: chr17-44375059-G-A. GRCh37 (hg19) VCF-style: chr17-42452427-G-A.
Other names: c.2780C>T (NM_000419.3); short protein forms A927V.
Identifiers: ClinVar variation 1049633 (VCV001049633.2), dbSNP rs1471946322, ClinGen allele CA399791951.
Genomic context (GRCh38, chr17:44,375,059, plus strand): 5'-TGGTAGAGGCTGGGCAGCCACAGGAAGGCCAGCACCGTGACCATGGCCCGCTGCCCGCGC[G>A]CCATCTCCTGCAGGTCACACTGCACCACAGTACAGGGCGCCGAGTCGCAGCTCTGAGGGG-3'
Protein context (NP_000410.2, residues 917-937): TVVQCDLQEM[Ala927Val]RGQRAMVTVL

ClinVar aggregate classification (germline): Uncertain significance. Review status: criteria provided, single submitter (1 of 4 stars). 2 submissions from 2 submitters: Uncertain significance (1). 1 of the submissions does not count toward it. Last evaluated 2024-10-28.

Conditions:
Inborn genetic diseases. Identifiers: MedGen C0950123, MeSH D030342.

Allele frequency attached by ClinVar (database versions not stated): gnomAD exomes 0.00001; gnomAD 0.00003; TOPMed 0.00003.

Submissions (2):

Ambry Genetics
Classification: Uncertain significance for Inborn genetic diseases. Last evaluated: 2024-10-28. Review status: criteria provided, single submitter. Criteria: Ambry Variant Classification Scheme 2023. Collection method: clinical testing. Allele origin: germline.

Department of Pathology and Laboratory Medicine, Sinai Health System
Classification: Uncertain significance. Review status: no assertion criteria provided. Collection method: clinical testing. Allele origin: unknown. Affected: yes. Study: The Canadian Open Genetics Repository (COGR). Not counted in ClinVar's aggregate classification.
Comment: The ITGA2B p.Ala927Val variant was not identified in the literature nor was it identified in ClinVar. The variant was identified in dbSNP (ID: rs1471946322) but was not identified in the following control databases: the 1000 Genomes Project, the NHLBI GO Exome Sequencing Project, or the Genome Aggregation Database (March 6, 2019, v2.1.1). The p.Ala927 residue is not conserved in mammals and computational analyses (PolyPhen-2, SIFT, AlignGVGD, BLOSUM, MutationTaster) do not suggest a high likelihood of impact to the protein; however, this information is not predictive enough to rule out pathogenicity. The variant occurs outside of the splicing consensus sequence and 3 of 4 in silico or computational prediction software programs (SpliceSiteFinder, MaxEntScan, NNSPLICE, GeneSplicer) predict a greater than 10% difference in splicing. However, this has not been confirmed by RNA analysis and is not predictive enough to assume pathogenicity. In summary, based on the above information the clinical significance of this variant cannot be determined with certainty at this time. This variant is classified as a variant of uncertain significance.